The following is an entry in ClinVar:

NM_000059.4(BRCA2):c.4109del (p.Gly1370fs)

Gene: BRCA2 (BRCA2 DNA repair associated; plus strand). Cytogenetic location: 13q13.1.
Variant type: Deletion.
Coding change: c.4109del on transcript NM_000059.4 (MANE Select); coding-DNA position 4109, one base deleted (G; older notation c.4109delG).
Protein change: p.Gly1370fs; shifts the reading frame from glycine 1370.
Molecular consequence: frameshift variant. On other transcripts: non-coding transcript variant (1), intron variant (2).
Genome position (GRCh38, 1-based): chr13:32,338,464, G deleted; the last of 2 consecutive G bases (chr13:32,338,463-32,338,464); deleting either gives the same sequence. VCF-style (leftmost placement, unchanged base first): chr13-32338462-TG-T. GRCh37 (hg19) VCF-style: chr13-32912599-TG-T.
Other names: c.4109del, p.Gly1370fs (NM_001406719.1, NM_001406720.1, NM_001432077.1); c.1909+5077del (NM_001406721.1); c.425-6094del (NM_001406722.1); short protein forms G1370fs.
Identifiers: ClinVar variation 4629761 (VCV004629761.1).
Genomic context (GRCh38, chr13:32,338,462, plus strand): 5'-TCATAAAGATGAAACGGACTTGCTATTTACTGATCAGCACAACATATGTCTTAAATTATC[TG>T]GCCAGTTTATGAAGGAGGGAAACACTCAGATTAAAGAAGATTTGTCAGATTTAACTTTTT-3'

ClinVar aggregate classification (germline): Pathogenic (1 of 4 stars; one submission).

Conditions:
Hereditary cancer-predisposing syndrome. Also called: Neoplastic Syndromes, Hereditary; Tumor predisposition; Hereditary Cancer Syndrome; Hereditary neoplastic syndrome. Identifiers: Orphanet 140162, MedGen C0027672, MeSH D009386, MONDO:0015356.

Submission:

Ambry Genetics
Classification: Pathogenic for Hereditary cancer-predisposing syndrome. Last evaluated: 2025-12-11. Review status: criteria provided, single submitter. Criteria: Ambry Variant Classification Scheme 2023. Collection method: clinical testing. Allele origin: germline.
Comment: The c.4109delG (p.G1370Afs*4) alteration, located in exon 11 (coding exon 10) of the BRCA2 gene, consists of a deletion of one nucleotide at position 4109, causing a translational frameshift with a predicted alternate stop codon after 4 amino acids. This alteration is expected to result in loss of function by premature protein truncation or nonsense-mediated mRNA decay. This variant was not reported in population-based cohorts in the Genome Aggregation Database (gnomAD). Based on the available evidence, this alteration is classified as pathogenic.